The following is an entry in ClinVar:

NM_000038.6(APC):c.8234C>A (p.Pro2745His)

Gene: APC (APC regulator of Wnt signaling pathway; plus strand). Cytogenetic location: 5q22.2.
Variant type: single nucleotide variant.
Coding change: c.8234C>A on transcript NM_000038.6 (MANE Select); coding-DNA position 8234, C replaced by A.
Protein change: p.Pro2745His; replaces proline 2745 with histidine.
Molecular consequence: missense variant. On other transcripts: non-coding transcript variant (2).
Genome position (GRCh38, 1-based): chr5:112,843,828, C>A. VCF-style: chr5-112843828-C-A. GRCh37 (hg19) VCF-style: chr5-112179525-C-A.
Other names: c.8234C>A, p.Pro2745His (NM_001127510.3, NM_001354895.2, NM_001407450.1); c.8180C>A, p.Pro2727His (NM_001127511.3); c.8288C>A, p.Pro2763His (NM_001354896.2, NM_001407447.1, NM_001407448.1 and 1 more transcripts); c.8264C>A, p.Pro2755His (NM_001354897.2); c.8159C>A, p.Pro2720His (NM_001354898.2); c.8150C>A, p.Pro2717His (NM_001354899.2); c.8111C>A, p.Pro2704His (NM_001354900.2); c.8057C>A, p.Pro2686His (NM_001354901.2, NM_001407453.1); and 11 more; short protein forms P2462H, P2644H, P2763H, P2686H, P2717H, P2735H, P2745H, P2361H.
Identifiers: ClinVar variation 2704922 (VCV002704922.4), dbSNP rs759421641, ClinGen allele CA16039205.

ClinVar aggregate classification (germline): Uncertain significance. Review status: criteria provided, multiple submitters, no conflicts (2 of 4 stars). 2 submissions from 2 submitters: Uncertain significance (2). Last evaluated 2024-01-07.

Conditions:
Classic or attenuated familial adenomatous polyposis. Identifiers: MedGen CN372698, MONDO:0021057.
Familial adenomatous polyposis 1 (FAP1). Also called: POLYPOSIS, ADENOMATOUS INTESTINAL; FAMILIAL ADENOMATOUS POLYPOSIS 1, ATTENUATED. Identifiers: MedGen C2713442, MONDO:0021056, OMIM 175100. Disease mechanism: loss of function.

Submissions (2):

Labcorp Genetics (formerly Invitae), Labcorp
Classification: Uncertain significance for Familial adenomatous polyposis 1. Last evaluated: 2024-01-07. Review status: criteria provided, single submitter. Criteria: Invitae Variant Classification Sherloc (09022015). Collection method: clinical testing. Allele origin: germline.
Comment: This sequence change replaces proline, which is neutral and non-polar, with histidine, which is basic and polar, at codon 2745 of the APC protein (p.Pro2745His). This variant is not present in population databases (gnomAD no frequency). This variant has not been reported in the literature in individuals affected with APC-related conditions. Advanced modeling of protein sequence and biophysical properties (such as structural, functional, and spatial information, amino acid conservation, physicochemical variation, residue mobility, and thermodynamic stability) performed at Invitae indicates that this missense variant is not expected to disrupt APC protein function with a negative predictive value of 95%. In summary, the available evidence is currently insufficient to determine the role of this variant in disease. Therefore, it has been classified as a Variant of Uncertain Significance.

All of Us Research Program, National Institutes of Health
Classification: Uncertain significance for Classic or attenuated familial adenomatous polyposis. Last evaluated: 2023-06-26. Review status: criteria provided, single submitter. Criteria: ACMG Guidelines, 2015. Collection method: clinical testing. Allele origin: germline. Inheritance: Autosomal dominant inheritance. Observed: 1 variant allele, 1 heterozygote.
Comment: This missense variant replaces proline with histidine at codon 2745 of the APC protein. Computational prediction suggests that this variant may not impact protein structure and function (internally defined REVEL score threshold <= 0.5, PMID: 27666373). To our knowledge, functional studies have not been reported for this variant. This variant has not been reported in individuals affected with APC-related disorders in the literature. This variant has not been identified in the general population by the Genome Aggregation Database (gnomAD). The available evidence is insufficient to determine the role of this variant in disease conclusively. Therefore, this variant is classified as a Variant of Uncertain Significance.

This study involves interpretation of variants in research participants for the purpose of population health screening. Participant phenotype was not available at the time of variant classification. Additional details can be found in publication PMID: 35346344, PMCID: PMC8962531